The following is an entry in ClinVar:

NM_002582.4(PARN):c.1360A>G (p.Lys454Glu)

Gene: PARN (poly(A)-specific ribonuclease; minus strand). Cytogenetic location: 16p13.12.
Variant type: single nucleotide variant.
Coding change: c.1360A>G on transcript NM_002582.4 (MANE Select); coding-DNA position 1360, A replaced by G.
Protein change: p.Lys454Glu; replaces lysine 454 with glutamic acid.
Molecular consequence: missense variant.
Genome position (GRCh38, 1-based): chr16:14,554,110, T>C on the plus strand (A>G on the coding strand, the complement: PARN is on the minus strand). VCF-style: chr16-14554110-T-C. GRCh37 (hg19) VCF-style: chr16-14647967-T-C.
Other names: c.1177A>G, p.Lys393Glu (NM_001134477.3); c.1222A>G, p.Lys408Glu (NM_001242992.2); short protein forms K408E, K393E, K454E.
Identifiers: ClinVar variation 2934402 (VCV002934402.3), dbSNP rs1275831280, ClinGen allele CA394811933.

ClinVar aggregate classification (germline): Uncertain significance (1 of 4 stars; one submission).

Conditions:
Dyskeratosis congenita, autosomal recessive 6 (DKCB6). Identifiers: MedGen C4225356, MONDO:0014600, OMIM 616353.
Pulmonary fibrosis and/or bone marrow failure, Telomere-related, 4. Also called: PULMONARY FIBROSIS AND/OR BONE MARROW FAILURE SYNDROME, TELOMERE-RELATED, 4. Identifiers: Orphanet 2032, MedGen C4225347, MONDO:0014612, OMIM 616371.

Allele frequency attached by ClinVar (database versions not stated): gnomAD exomes below 0.00001; gnomAD 0.00001.
gnomAD v4.1: 5 of 1,613,482 alleles (0.00031%); highest among the groups gnomAD compares: Admixed American, 0.0067%; no homozygotes.

Submission:

Labcorp Genetics (formerly Invitae), Labcorp
Classification: Uncertain significance for Dyskeratosis congenita, autosomal recessive 6; Pulmonary fibrosis and/or bone marrow failure, Telomere-related, 4. Last evaluated: 2024-04-14. Review status: criteria provided, single submitter. Criteria: Invitae Variant Classification Sherloc (09022015). Collection method: clinical testing. Allele origin: germline.
Comment: This sequence change replaces lysine, which is basic and polar, with glutamic acid, which is acidic and polar, at codon 454 of the PARN protein (p.Lys454Glu). This variant is present in population databases (no rsID available, gnomAD 0.006%). This variant has not been reported in the literature in individuals affected with PARN-related conditions. Advanced modeling of protein sequence and biophysical properties (such as structural, functional, and spatial information, amino acid conservation, physicochemical variation, residue mobility, and thermodynamic stability) performed at Invitae indicates that this missense variant is not expected to disrupt PARN protein function with a negative predictive value of 80%. In summary, the available evidence is currently insufficient to determine the role of this variant in disease. Therefore, it has been classified as a Variant of Uncertain Significance.